The following is an entry in ClinVar:

ClinVar aggregate classification (germline): Pathogenic. Review status: criteria provided, multiple submitters, no conflicts (2 of 4 stars). 9 submissions from 9 submitters: Pathogenic (8). 1 of the submissions does not count toward it. Last evaluated 2026-01-13.

Conditions:
Inborn genetic diseases. Identifiers: MedGen C0950123, MeSH D030342.
Deficiency of hydroxymethylglutaryl-CoA lyase (HMGCLD). Also called: HMGCL DEFICIENCY; HYDROXYMETHYLGLUTARIC ACIDURIA; Defect in leucine metabolism; 3-hydroxy-3-methylglutaric aciduria; HMG-CoA LYASE DEFICIENCY. Identifiers: Orphanet 20, MedGen C1533587, MONDO:0009520, OMIM 246450.
Long chain 3-hydroxyacyl-CoA dehydrogenase deficiency. Also called: Deficiency of long-chain 3-hydroxyacyl-coenzyme A dehydrogenase; LCHAD Deficiency. Identifiers: Orphanet 5, MedGen C3711645, MONDO:0012173, OMIM 609016.

Submissions (9):

Natera, Inc.
Classification: Pathogenic for Deficiency of long-chain 3-hydroxyacyl-coenzyme A dehydrogenase. Last evaluated: 2026-01-13. Review status: criteria provided, single submitter. Criteria: Natera Variant Classification Schema (03/2026). Collection method: clinical testing. Allele origin: germline.
Comment: The c.505_506delTC variant in HMGCL is a frameshift variant predicted to shift the reading frame beginning at codon 169 and leads to a stop codon 8 codons downstream. This variant is expected to result in nonsense mediated decay, truncation, or a dysfunctional protein product. This variant is rare in the general population with a frequency below the threshold expected for the associated phenotype(s). This variant has been observed in one or more individuals affected with the associated recessive disease, as either homozygous or compound heterozygous with a second variant (PMID: 9392428). Given the available evidence, this variant is classified as Pathogenic.

Labcorp Genetics (formerly Invitae), Labcorp
Classification: Pathogenic for Deficiency of hydroxymethylglutaryl-CoA lyase. Last evaluated: 2025-09-02. Review status: criteria provided, single submitter. Criteria: Invitae Variant Classification Sherloc (09022015). Collection method: clinical testing. Allele origin: germline.
Comment: This sequence change creates a premature translational stop signal (p.Ser169Leufs*8) in the HMGCL gene. It is expected to result in an absent or disrupted protein product. Loss-of-function variants in HMGCL are known to be pathogenic (PMID: 9817922, 17692550, 23465862). This variant is present in population databases (rs764264834, gnomAD 0.009%). This premature translational stop signal has been observed in individual(s) with HMG-CoA lyase deficiency (PMID: 9392428, 23465862). ClinVar contains an entry for this variant (Variation ID: 521753). For these reasons, this variant has been classified as Pathogenic.

Baylor Genetics
Classification: Pathogenic for Deficiency of hydroxymethylglutaryl-CoA lyase. Last evaluated: 2024-03-12. Review status: criteria provided, single submitter. Criteria: ACMG Guidelines, 2015. Collection method: clinical testing. Allele origin: unknown.

Genome-Nilou Lab
Classification: Pathogenic for Deficiency of hydroxymethylglutaryl-CoA lyase. Last evaluated: 2023-04-11. Review status: criteria provided, single submitter. Criteria: ACMG Guidelines, 2015. Collection method: clinical testing. Allele origin: germline. Affected: no.

Women's Health and Genetics/Laboratory Corporation of America, LabCorp
Classification: Pathogenic for Deficiency of hydroxymethylglutaryl-CoA lyase. Last evaluated: 2020-09-28. Review status: criteria provided, single submitter. Criteria: LabCorp Variant Classification Summary - May 2015. Collection method: clinical testing. Allele origin: germline.
Comment: Variant summary: HMGCL c.505_506delTC (p.Ser169LeufsX8) results in a premature termination codon, predicted to cause a truncation of the encoded protein or absence of the protein due to nonsense mediated decay (NMD), which are commonly known mechanisms for disease. The variant allele was found at a frequency of 1.2e-05 in 251290 control chromosomes (gnomAD). c.505_506delTC has been reported in the literature in multiple (compound heterozygote and homozygote) individuals affected with HMG-CoA Lyase Deficiency (Casals_1997, Cardoso_2004, Menao_2009, Puisac_2013). These data indicate that the variant is very likely to be associated with disease. Publications also reported experimental evidence evaluating an impact on protein function, confirming that the variant results in NMD (Puisac_2013), with an activity in patient derived fibroblasts of less than 10% of the normal (Casals_1997, Cardoso_2004, Puisac_2013). Four clinical diagnostic laboratories have submitted clinical-significance assessments for this variant to ClinVar after 2014 without evidence for independent evaluation. All laboratories classified the variant as pathogenic. Based on the evidence outlined above, the variant was classified as pathogenic.

Mendelics
Classification: Pathogenic for Deficiency of hydroxymethylglutaryl-CoA lyase. Last evaluated: 2019-05-28. Review status: criteria provided, single submitter. Criteria: Mendelics Assertion Criteria 2017. Collection method: clinical testing. Allele origin: unknown.

Ambry Genetics
Classification: Pathogenic for Inborn genetic diseases. Last evaluated: 2017-05-18. Review status: criteria provided, single submitter. Criteria: Ambry exome assertion method (8-5-2015). Collection method: clinical testing. Allele origin: germline. Affected: yes. Observed: 1 variant allele.

Clinical Genetics Service, Universitary Hospital 12 de Octubre
Classification: Pathogenic for Deficiency of hydroxymethylglutaryl-CoA lyase. Review status: criteria provided, single submitter. Criteria: ACMG Guidelines, 2015. Collection method: clinical testing. Allele origin: paternal. Affected: yes.

Counsyl
Classification: Pathogenic for Deficiency of hydroxymethylglutaryl-CoA lyase. Last evaluated: 2018-01-10. Review status: no assertion criteria provided. Collection method: clinical testing. Allele origin: unknown. Not counted in ClinVar's aggregate classification.

Literature cited by the submitters: PubMed 9392428 (cited by 4 submitters); PubMed 9817922 (cited by Labcorp Genetics (formerly Invitae), Labcorp); PubMed 17692550 (cited by Labcorp Genetics (formerly Invitae), Labcorp and Women's Health and Genetics/Laboratory Corporation of America, LabCorp); PubMed 23465862 (cited by 4 submitters); PubMed 15308132 (cited by Women's Health and Genetics/Laboratory Corporation of America, LabCorp); PubMed 9439591 (cited by Women's Health and Genetics/Laboratory Corporation of America, LabCorp); PubMed 19177531 (cited by Women's Health and Genetics/Laboratory Corporation of America, LabCorp and Ambry Genetics).

NM_000191.3(HMGCL):c.505_506del (p.Ser169fs)

Gene: HMGCL (3-hydroxy-3-methylglutaryl-CoA lyase; minus strand). Cytogenetic location: 1p36.11.
Variant type: Microsatellite.
Coding change: c.505_506del on transcript NM_000191.3 (MANE Select); coding-DNA positions 505 to 506, 2 bases deleted (TC; older notation c.505_506delTC).
Protein change: p.Ser169fs; shifts the reading frame from serine 169.
Molecular consequence: frameshift variant. On other transcripts: intron variant (1).
Genome position (GRCh38, 1-based): chr1:23,810,791-23,810,792, GA deleted on the plus strand (TC on the coding strand, the reverse complement: HMGCL is on the minus strand); deleting any 2 consecutive bases within chr1:23,810,791-23,810,794 gives the same sequence; the c. name uses the placement nearest the transcript's 3' end. VCF-style (leftmost placement, unchanged base first): chr1-23810790-GGA-G. GRCh37 (hg19) VCF-style: chr1-24137280-GGA-G.
Other names: c.349-2469_349-2468del (NM_001166059.2); c.505_506del (NM_000191.2); short protein forms S169fs.
Identifiers: ClinVar variation 521753 (VCV000521753.20), dbSNP rs764264834, ClinGen allele CA686067.